The following is an entry in ClinVar:

NM_197968.4(ZMYM2):c.25T>A (p.Leu9Ile)

Gene: ZMYM2 (zinc finger MYM-type containing 2; plus strand). Cytogenetic location: 13q12.11.
Variant type: single nucleotide variant.
Coding change: c.25T>A on transcript NM_197968.4 (MANE Select); coding-DNA position 25, T replaced by A.
Protein change: p.Leu9Ile; replaces leucine 9 with isoleucine.
Molecular consequence: missense variant. On other transcripts: non-coding transcript variant (1).
Genome position (GRCh38, 1-based): chr13:19,993,097, T>A. VCF-style: chr13-19993097-T-A. GRCh37 (hg19) VCF-style: chr13-20567237-T-A.
Other names: c.25T>A, p.Leu9Ile (NM_001190964.4, NM_001190965.4, NM_001353157.2 and 6 more transcripts); c.91T>A, p.Leu31Ile (NM_001353161.3); short protein forms L31I, L9I.
Identifiers: ClinVar variation 3572849 (VCV003572849.1).

ClinVar aggregate classification (germline): Uncertain significance (1 of 4 stars; one submission).

Submission:

GeneDx
Classification: Uncertain significance. Last evaluated: 2024-07-11. Review status: criteria provided, single submitter. Criteria: GeneDx Variant Classification Process June 2021. Collection method: clinical testing. Allele origin: germline. Affected: yes.
Comment: Not observed at significant frequency in large population cohorts (gnomAD); In silico analysis indicates that this missense variant does not alter protein structure/function; Has not been previously published as pathogenic or benign to our knowledge